The following is an entry in ClinVar:

NM_000887.5(ITGAX):c.1434C>T (p.Ile478=)

Gene: ITGAX (integrin subunit alpha X; plus strand). Cytogenetic location: 16p11.2.
Variant type: single nucleotide variant.
Coding change: c.1434C>T on transcript NM_000887.5 (MANE Select); coding-DNA position 1434, C replaced by T.
Protein change: p.Ile478=; no amino-acid change (isoleucine 478 retained).
Molecular consequence: synonymous variant.
Genome position (GRCh38, 1-based): chr16:31,363,009, C>T. VCF-style: chr16-31363009-C-T. GRCh37 (hg19) VCF-style: chr16-31374330-C-T.
Other names: c.1434C>T, p.Ile478= (NM_001286375.2).
Identifiers: ClinVar variation 708897 (VCV000708897.27), dbSNP rs142089990, ClinGen allele CA8026814.
Genomic context (GRCh38, chr16:31,363,009, plus strand): 5'-CGGGGCCTCCCTCTGCTCCGTGGACGTAGACAGCGACGGCAGCACCGACCTGGTCCTCAT[C>T]GGGGCCCCCCATTACTACGAGCAGACCCGAGGGGGCCAGGTGTCTGTGTGTCCCTTGCCC-3'
Protein context (NP_000878.2, residues 468-488): DSDGSTDLVL[Ile478=]GAPHYYEQTR

ClinVar aggregate classification (germline): Benign/Likely benign. Review status: criteria provided, multiple submitters, no conflicts (2 of 4 stars). 2 submissions from 2 submitters: Benign (1); Likely benign (1). Last evaluated 2022-08-01.

Allele frequency attached by ClinVar (database versions not stated): 1000 Genomes Project 0.00080; 1000 Genomes Project 30x 0.00094; ESP Exome Variant Server 0.00169; TOPMed 0.00179; gnomAD 0.00225 and 0.00231; ExAC 0.00240.
gnomAD v4.1: 4,366 of 1,384,422 alleles (0.32%); highest among the groups gnomAD compares: Non-Finnish European, 0.39%; 13 homozygotes.

Submissions (2):

CeGaT Center for Human Genetics Tuebingen
Classification: Likely benign. Last evaluated: 2022-08-01. Review status: criteria provided, single submitter. Criteria: CeGaT Center For Human Genetics Tuebingen Variant Classification Criteria Version 2. Collection method: clinical testing. Allele origin: germline. Affected: yes. Observed: 1 variant allele.
Comment: ITGAX: BP4, BP7

Labcorp Genetics (formerly Invitae), Labcorp
Classification: Benign. Last evaluated: 2018-07-17. Review status: criteria provided, single submitter. Criteria: Invitae Variant Classification Sherloc (09022015). Collection method: clinical testing. Allele origin: germline.